The following is an entry in ClinVar:

ClinVar aggregate classification (germline): Likely benign (1 of 4 stars; one submission).

Submission:

CeGaT Center for Human Genetics Tuebingen
Classification: Likely benign. Last evaluated: 2026-02-01. Review status: criteria provided, single submitter. Criteria: CeGaT Center For Human Genetics Tuebingen Variant Classification Criteria Version 2. Collection method: clinical testing. Allele origin: germline. Affected: yes. Observed: 1 variant allele.
Comment: RAD23A: PM2:Supporting, BP4, BP7

NM_005053.4(RAD23A):c.708G>A (p.Arg236=)

Gene: RAD23A (RAD23 nucleotide excision repair protein A; plus strand). Cytogenetic location: 19p13.13.
Variant type: single nucleotide variant.
Coding change: c.708G>A on transcript NM_005053.4 (MANE Select); coding-DNA position 708, G replaced by A.
Protein change: p.Arg236=; no amino-acid change (arginine 236 retained).
Molecular consequence: synonymous variant. On other transcripts: non-coding transcript variant (1).
Genome position (GRCh38, 1-based): chr19:12,949,303, G>A. VCF-style: chr19-12949303-G-A. GRCh37 (hg19) VCF-style: chr19-13060117-G-A.
Other names: c.705G>A, p.Arg235= (NM_001270362.2); c.708G>A, p.Arg236= (NM_001270363.2).
Identifiers: ClinVar variation 4822035 (VCV004822035.4).